The following is an entry in ClinVar:

ClinVar aggregate classification (germline): Uncertain significance. Review status: criteria provided, multiple submitters, no conflicts (2 of 4 stars). 2 submissions from 2 submitters: Uncertain significance (2). Last evaluated 2025-11-18.

Conditions:
POLD1-related polyposis and colorectal cancer syndrome (CRCS10). Also called: Colorectal cancer, susceptibility to, 10; Colorectal cancer 10; COLORECTAL CANCER, SUSCEPTIBILITY TO, ON CHROMOSOME 19q. Identifiers: Orphanet 220460, MedGen C2675481, MONDO:0012953, OMIM 612591.
Hereditary cancer-predisposing syndrome. Also called: Hereditary neoplastic syndrome; Tumor predisposition; Hereditary Cancer Syndrome; Neoplastic Syndromes, Hereditary. Identifiers: Orphanet 140162, MedGen C0027672, MeSH D009386, MONDO:0015356.

Allele frequency attached by ClinVar (database versions not stated): gnomAD exomes below 0.00001; ExAC 0.00002.
gnomAD v4.1: 5 of 1,606,298 alleles (0.00031%); highest among the groups gnomAD compares: Non-Finnish European, 0.00025%; no homozygotes.

Submissions (2):

Labcorp Genetics (formerly Invitae), Labcorp
Classification: Uncertain significance for POLD1-related polyposis and colorectal cancer syndrome. Last evaluated: 2025-11-18. Review status: criteria provided, single submitter. Criteria: Invitae Variant Classification Sherloc (09022015). Collection method: clinical testing. Allele origin: germline.
Comment: This sequence change replaces alanine, which is neutral and non-polar, with valine, which is neutral and non-polar, at codon 1046 of the POLD1 protein (p.Ala1046Val). This variant is not present in population databases (gnomAD no frequency). This variant has not been reported in the literature in individuals affected with POLD1-related conditions. ClinVar contains an entry for this variant (Variation ID: 654084). Invitae Evidence Modeling of protein sequence and biophysical properties (such as structural, functional, and spatial information, amino acid conservation, physicochemical variation, residue mobility, and thermodynamic stability) indicates that this missense variant is not expected to disrupt POLD1 protein function with a negative predictive value of 80%. In summary, the available evidence is currently insufficient to determine the role of this variant in disease. Therefore, it has been classified as a Variant of Uncertain Significance.

Ambry Genetics
Classification: Uncertain significance for Hereditary cancer-predisposing syndrome. Last evaluated: 2025-10-14. Review status: criteria provided, single submitter. Criteria: Ambry Variant Classification Scheme 2023. Collection method: clinical testing. Allele origin: germline.
Comment: The p.A1046V variant (also known as c.3137C>T), located in coding exon 25 of the POLD1 gene, results from a C to T substitution at nucleotide position 3137. The alanine at codon 1046 is replaced by valine, an amino acid with similar properties. This amino acid position is conserved. In addition, this alteration is predicted to be tolerated by in silico analysis. Since supporting evidence is limited at this time, the clinical significance of this alteration remains unclear.

NM_002691.4(POLD1):c.3137C>T (p.Ala1046Val)

Gene: POLD1 (DNA polymerase delta 1, catalytic subunit; plus strand). Cytogenetic location: 19q13.33.
Variant type: single nucleotide variant.
Coding change: c.3137C>T on transcript NM_002691.4 (MANE Select); coding-DNA position 3137, C replaced by T.
Protein change: p.Ala1046Val; replaces alanine 1046 with valine.
Molecular consequence: missense variant. On other transcripts: non-coding transcript variant (1).
Genome position (GRCh38, 1-based): chr19:50,417,188, C>T. VCF-style: chr19-50417188-C-T. GRCh37 (hg19) VCF-style: chr19-50920445-C-T.
Other names: c.3137C>T, p.Ala1046Val (NM_001256849.1); c.3215C>T, p.Ala1072Val (NM_001308632.1); c.3137C>T (NM_002691.2); short protein forms A1072V, A1046V.
Identifiers: ClinVar variation 654084 (VCV000654084.11), dbSNP rs754507612, ClinGen allele CA9596772.